The following is an entry in ClinVar:

NM_000038.6(APC):c.1409-1848G>A

Gene: APC (APC regulator of WNT signaling pathway; plus strand). Cytogenetic location: 5q22.2.
Variant type: single nucleotide variant.
Coding change: c.1409-1848G>A on transcript NM_000038.6 (MANE Select); 1848 bases into the intron before coding-DNA position 1409, G replaced by A.
Molecular consequence: intron variant.
Genome position (GRCh38, 1-based): chr5:112,825,260, G>A. VCF-style: chr5-112825260-G-A. GRCh37 (hg19) VCF-style: chr5-112160957-G-A.
Other names: c.1409-1848G>A (NM_001354895.2, NM_001127510.3); c.1439-1848G>A (NM_001354897.2); c.1136-1848G>A (NM_001354902.2); c.1355-1848G>A (NM_001127511.3); c.1334-1848G>A (NM_001354898.2); c.1031-1848G>A (NM_001354904.2); c.560-1848G>A (NM_001354906.2); c.1463-1848G>A (NM_001354896.2); and 5 more.
Identifiers: ClinVar variation 83150 (VCV000083150.2), dbSNP rs78265064, ClinGen allele CA005010.
Genomic context (GRCh38, chr5:112,825,260, plus strand): 5'-GCTACTTAAAAGTATCTTATGTCATCACTCTTCTCTTCATCCCCAGTCCAAGCCACCATC[G>A]TCTCTCCTGTTCTACAATACTTTGTCTTACTTCTCTTCCCATTTCCACTCATAGTCGATT-3'

ClinVar aggregate classification (germline): other (0 of 4 stars; one submission).

Conditions:
Familial colorectal cancer. Identifiers: MedGen CN280943, MONDO:0023113. Disease mechanism: loss of function.

Allele frequency attached by ClinVar (database versions not stated): gnomAD below 0.00001 and 0.00001; TOPMed below 0.00001.
gnomAD v4.1: 1 of 152,076 alleles (0.00066%); highest among the groups gnomAD compares: South Asian, 0.021%; no homozygotes.

Submission:

Systems Biology Platform Zhejiang California International NanoSystems Institute
Classification: other for Familial colorectal cancer. Review status: no assertion criteria provided. Collection method: not provided. Allele origin: unknown.
ClinVar note: Converted during submission from cancer to other.